The following is an entry in ClinVar:

ClinVar aggregate classification (germline): Uncertain significance (1 of 4 stars; one submission).

Conditions:
Hereditary cancer-predisposing syndrome. Also called: Tumor predisposition; Neoplastic Syndromes, Hereditary; Hereditary Cancer Syndrome; Hereditary neoplastic syndrome. Identifiers: Orphanet 140162, MedGen C0027672, MeSH D009386, MONDO:0015356.

Submission:

Ambry Genetics
Classification: Uncertain significance for Hereditary cancer-predisposing syndrome. Last evaluated: 2025-01-11. Review status: criteria provided, single submitter. Criteria: Ambry Variant Classification Scheme 2023. Collection method: clinical testing. Allele origin: germline.
Comment: The c.672_674delTGGinsGGA variant (also known as p.D224_G225delinsED), located in coding exon 1 of the MET gene, results from an in-frame deletion of TGG and insertion of GGA at nucleotide positions 672 to 674. This results in the in-frame deletion of 2 amino acids (DG) and insertion of 2 new amino acids (ED) at codons 224 and 225. These amino acid positions are highly conserved in available vertebrate species. Based on the available evidence, the clinical significance of this variant remains unclear.

NM_000245.4(MET):c.672_674delinsGGA (p.Asp224_Gly225delinsGluAsp)

Gene: MET (MET proto-oncogene, receptor tyrosine kinase; plus strand). Cytogenetic location: 7q31.2.
Variant type: Indel.
Coding change: c.672_674delinsGGA on transcript NM_000245.4 (MANE Select); coding-DNA positions 672 to 674, TGG replaced by GGA.
Protein change: p.Asp224_Gly225delinsGluAsp.
Molecular consequence: missense variant. On other transcripts: intron variant (1).
Genome position (GRCh38, 1-based): chr7:116,699,756-116,699,758, TGG replaced by GGA. VCF-style: chr7-116699756-TGG-GGA. GRCh37 (hg19) VCF-style: chr7-116339810-TGG-GGA.
Other names: c.672_674delinsGGA, p.Asp224_Gly225delinsGluAsp (NM_001127500.3, NM_001324401.3); c.-91+27179_-91+27181delinsGGA (NM_001324402.2).
Identifiers: ClinVar variation 3872337 (VCV003872337.1).
Genomic context (GRCh38, chr7:116,699,756, plus strand): 5'-TTATTTCCCAGATCATCCATTGCATTCGATATCAGTGAGAAGGCTAAAGGAAACGAAAGA[TGG>GGA]TTTTATGTTTTTGACGGACCAGTCCTACATTGATGTTTTACCTGAGTTCAGAGATTCTTA-3'